The following is an entry in ClinVar:

NM_004817.4(TJP2):c.801G>A (p.Pro267=)

Gene: TJP2 (tight junction protein 2; plus strand). Cytogenetic location: 9q21.11.
Variant type: single nucleotide variant.
Coding change: c.801G>A on transcript NM_004817.4 (MANE Select); coding-DNA position 801, G replaced by A.
Protein change: p.Pro267=; no amino-acid change (proline 267 retained).
Molecular consequence: synonymous variant.
Genome position (GRCh38, 1-based): chr9:69,221,345, G>A. VCF-style: chr9-69221345-G-A. GRCh37 (hg19) VCF-style: chr9-71836261-G-A.
Other names: c.732G>A, p.Pro244= (NM_001170414.2, NM_001369870.1, NM_001369871.1); c.813G>A, p.Pro271= (NM_001170415.1, NM_001369874.1, NM_001369875.1); c.894G>A, p.Pro298= (NM_001170416.2); c.801G>A, p.Pro267= (NM_001369872.1, NM_001369873.1, NM_201629.3).
Identifiers: ClinVar variation 3032599 (VCV003032599.2), dbSNP rs1265992552, ClinGen allele CA465495207.

ClinVar aggregate classification (germline): Likely benign (0 of 4 stars; one submission).

Conditions:
TJP2-related disorder. Also called: TJP2-related condition.

Allele frequency attached by ClinVar (database versions not stated): gnomAD exomes 0.00001; TOPMed 0.00001.
gnomAD v4.1: 14 of 1,590,306 alleles (0.00088%); highest among the groups gnomAD compares: South Asian, 0.0091%; no homozygotes.

Submission:

PreventionGenetics, part of Exact Sciences
Classification: Likely benign for TJP2-related condition. Last evaluated: 2023-08-01. Review status: no assertion criteria provided. Collection method: clinical testing. Allele origin: germline.
Comment: This variant is classified as likely benign based on ACMG/AMP sequence variant interpretation guidelines (Richards et al. 2015 PMID: 25741868, with internal and published modifications).